The following is an entry in ClinVar:

NM_001377265.1(MAPT):c.220+2503C>T

Gene: MAPT (microtubule associated protein tau). Cytogenetic location: 17q21.31.
Variant type: single nucleotide variant.
Coding change: c.220+2503C>T on transcript NM_001377265.1 (MANE Select); 2503 bases into the intron after coding-DNA position 220, C replaced by T.
Molecular consequence: intron variant. On other transcripts: missense variant (4).
Genome position (GRCh38, 1-based): chr17:45,974,448, C>T. VCF-style: chr17-45974448-C-T. GRCh37 (hg19) VCF-style: chr17-44051814-C-T.
Other names: c.284C>T, p.Thr95Met (NM_001123066.4, NM_001203252.2, NM_005910.6 and 1 more transcripts); c.134-3927C>T (NM_001377268.1, NM_016834.5, NM_016841.5); c.220+2503C>T (NM_001377266.1, NM_001123067.4, NM_001203251.2 and 1 more transcripts); short protein forms T95M.
Identifiers: ClinVar variation 648859 (VCV000648859.13), dbSNP rs138293088, ClinGen allele CA8617596.

ClinVar aggregate classification (germline): Conflicting classifications of pathogenicity. Review status: criteria provided, conflicting classifications (1 of 4 stars). 3 submissions from 3 submitters: Uncertain significance (2); Benign (1). Last evaluated 2025-09-02.

Conditions:
MAPT-Related Spectrum Disorders.
Frontotemporal dementia (FTD1). Also called: WILHELMSEN-LYNCH DISEASE; FRONTOTEMPORAL LOBAR DEGENERATION WITH TAU INCLUSIONS; FTLD WITH TAU INCLUSIONS; Dementia, frontotemporal, with or without parkinsonism; Frontotemporal Dementia with Parkinsonism-17 (FTDP-17); MULTIPLE SYSTEM TAUOPATHY WITH PRESENILE DEMENTIA. Identifiers: Orphanet 282, MedGen C0338451, MONDO:0017276, OMIM 600274, HP:0002145.

Allele frequency attached by ClinVar (database versions not stated): gnomAD 0.00002; TOPMed 0.00004; gnomAD exomes 0.00005; ESP Exome Variant Server 0.00008; ExAC 0.00011.
gnomAD v4.1: 114 of 1,608,186 alleles (0.0071%); highest among the groups gnomAD compares: Non-Finnish European, 0.0094%; no homozygotes.

Submissions (3):

Labcorp Genetics (formerly Invitae), Labcorp
Classification: Uncertain significance for Frontotemporal dementia. Last evaluated: 2025-09-02. Review status: criteria provided, single submitter. Criteria: Invitae Variant Classification Sherloc (09022015). Collection method: clinical testing. Allele origin: germline.
Comment: This sequence change replaces threonine, which is neutral and polar, with methionine, which is neutral and non-polar, at codon 95 of the MAPT protein (p.Thr95Met). This variant is present in population databases (rs138293088, gnomAD 0.01%). This missense change has been observed in individual(s) with amyotrophic lateral sclerosis (PMID: 23881933). ClinVar contains an entry for this variant (Variation ID: 648859). An algorithm developed to predict the effect of missense changes on protein structure and function outputs the following: PolyPhen-2: "Benign". The methionine amino acid residue is found in multiple mammalian species, which suggests that this missense change does not adversely affect protein function. In summary, the available evidence is currently insufficient to determine the role of this variant in disease. Therefore, it has been classified as a Variant of Uncertain Significance.

Women's Health and Genetics/Laboratory Corporation of America, LabCorp
Classification: Uncertain significance. Last evaluated: 2024-03-25. Review status: criteria provided, single submitter. Criteria: LabCorp Variant Classification Summary - May 2015. Collection method: clinical testing. Allele origin: germline.
Comment: Variant summary: MAPT c.284C>T (p.Thr95Met) results in a non-conservative amino acid change in the encoded protein sequence. Four of five in-silico tools predict a benign effect of the variant on protein function. The variant allele was found at a frequency of 5.5e-05 in 238060 control chromosomes (gnomAD). c.284C>T has been reported in the literature in an individual affected with ALS as well as unaffected controls. This report does not provide unequivocal conclusions about association of the variant with MAPT-Related Disorders. To our knowledge, no experimental evidence demonstrating an impact on protein function has been reported. The following publication has been ascertained in the context of this evaluation (PMID: 23881933). ClinVar contains an entry for this variant (Variation ID: 648859). Based on the evidence outlined above, the variant was classified as uncertain significance.

Illumina Laboratory Services, Illumina
Classification: Benign for MAPT-Related Spectrum Disorders. Last evaluated: 2017-04-27. Review status: criteria provided, single submitter. Criteria: ICSL Variant Classification Criteria 13 December 2019. Collection method: clinical testing. Allele origin: germline.
Comment: This variant was observed as part of a predisposition screen in an ostensibly healthy population. A literature search was performed for the gene, cDNA change, and amino acid change (where applicable). Publications were found based on this search. The evidence from the literature, in combination with allele frequency data from public databases where available, was sufficient to rule this variant out of causing disease. Therefore, this variant is classified as benign.

Literature cited by the submitters: PubMed 23881933 (cited by 3 submitters).